The following is an entry in ClinVar:

ClinVar aggregate classification (germline): Pathogenic (1 of 4 stars; one submission).

Conditions:
GLUT1 deficiency syndrome 1, autosomal recessive. Identifiers: MedGen C3149117.

Submission:

Labcorp Genetics (formerly Invitae), Labcorp
Classification: Pathogenic for GLUT1 deficiency syndrome 1, autosomal recessive. Last evaluated: 2021-12-23. Review status: criteria provided, single submitter. Criteria: Invitae Variant Classification Sherloc (09022015). Collection method: clinical testing. Allele origin: germline.
Comment: This sequence change affects an acceptor splice site in intron 5 of the SLC2A1 gene. It is expected to disrupt RNA splicing. Variants that disrupt the donor or acceptor splice site typically lead to a loss of protein function (PMID: 16199547), and loss-of-function variants in SLC2A1 are known to be pathogenic (PMID: 21832227, 26193382). This variant is not present in population databases (gnomAD no frequency). Disruption of this splice site has been observed in individual(s) with GLUT1-deficiency syndrome (PMID: 22814174). In at least one individual the variant was observed to be de novo. Algorithms developed to predict the effect of sequence changes on RNA splicing suggest that this variant may disrupt the consensus splice site. For these reasons, this variant has been classified as Pathogenic.

Literature cited by the submitters: PubMed 16199547; PubMed 21832227; PubMed 26193382; PubMed 22814174.

NM_006516.4(SLC2A1):c.680-2A>C

Gene: SLC2A1 (solute carrier family 2 member 1; minus strand). Cytogenetic location: 1p34.2.
Variant type: single nucleotide variant.
Coding change: c.680-2A>C on transcript NM_006516.4 (MANE Select); the canonical splice acceptor site of the intron before coding-DNA position 680, A replaced by C.
Molecular consequence: splice acceptor variant.
Genome position (GRCh38, 1-based): chr1:42,929,782, T>G on the plus strand (A>C on the coding strand, the complement: SLC2A1 is on the minus strand). VCF-style: chr1-42929782-T-G. GRCh37 (hg19) VCF-style: chr1-43395453-T-G.
Identifiers: ClinVar variation 2056300 (VCV002056300.4), dbSNP rs113697235, ClinGen allele CA339958365.